The following is an entry in ClinVar:

NM_001042492.3(NF1):c.7536C>T (p.Gly2512=)

Gene: NF1 (neurofibromin 1; plus strand). Cytogenetic location: 17q11.2.
Variant type: single nucleotide variant.
Coding change: c.7536C>T on transcript NM_001042492.3 (MANE Select); coding-DNA position 7536, C replaced by T.
Protein change: p.Gly2512=; no amino-acid change (glycine 2512 retained).
Molecular consequence: synonymous variant.
Genome position (GRCh38, 1-based): chr17:31,352,335, C>T. VCF-style: chr17-31352335-C-T. GRCh37 (hg19) VCF-style: chr17-29679353-C-T.
Other names: c.7473C>T, p.Gly2491= (NM_000267.4).
Identifiers: ClinVar variation 186746 (VCV000186746.19), dbSNP rs786203187, ClinGen allele CA195745.

ClinVar aggregate classification (germline): Benign/Likely benign. Review status: criteria provided, multiple submitters, no conflicts (2 of 4 stars). 4 submissions from 4 submitters: Benign (2); Likely benign (2). Last evaluated 2026-05-21.

Conditions:
Hereditary cancer-predisposing syndrome. Also called: Tumor predisposition; Neoplastic Syndromes, Hereditary; Hereditary Cancer Syndrome; Hereditary neoplastic syndrome. Identifiers: Orphanet 140162, MedGen C0027672, MeSH D009386, MONDO:0015356.
Neurofibromatosis, type 1 (NF1). Also called: Peripheral type neurofibromatosis; Neurofibromatosis, type I; NEUROFIBROMATOSIS, TYPE I, SOMATIC; VON RECKLINGHAUSEN DISEASE. Identifiers: Orphanet 636, MedGen C0027831, MONDO:0018975, OMIM 162200. Disease mechanism: loss of function.

Allele frequency attached by ClinVar (database versions not stated): TOPMed 0.00003; gnomAD exomes below 0.00001 and 0.00001; gnomAD 0.00001 and 0.00002.
gnomAD v4.1: 6 of 1,614,014 alleles (0.00037%); highest among the groups gnomAD compares: Non-Finnish European, 0.00051%; no homozygotes.

Submissions (4):

Myriad Genetics, Inc.
Classification: Benign for Neurofibromatosis, type 1. Last evaluated: 2026-05-21. Review status: criteria provided, single submitter. Criteria: Myriad Autosomal Dominant, Autosomal Recessive and X-Linked Classification Criteria (2023). Collection method: clinical testing. Allele origin: unknown.
Comment: This variant is considered benign. This variant is a silent/synonymous amino acid change and it is not expected to impact splicing.

Labcorp Genetics (formerly Invitae), Labcorp
Classification: Benign for Neurofibromatosis, type 1. Last evaluated: 2026-01-12. Review status: criteria provided, single submitter. Criteria: Invitae Variant Classification Sherloc (09022015). Collection method: clinical testing. Allele origin: germline.

CeGaT Center for Human Genetics Tuebingen
Classification: Likely benign. Last evaluated: 2025-07-01. Review status: criteria provided, single submitter. Criteria: CeGaT Center For Human Genetics Tuebingen Variant Classification Criteria Version 2. Collection method: clinical testing. Allele origin: germline. Affected: yes. Observed: 1 variant allele.
Comment: NF1: BP4, BP7

Ambry Genetics
Classification: Likely benign for Hereditary cancer-predisposing syndrome. Last evaluated: 2014-10-20. Review status: criteria provided, single submitter. Criteria: Ambry Autosomal Dominant and X-Linked criteria (10/2015). Collection method: clinical testing. Allele origin: germline. Observed: 1 variant allele.